The following is an entry in ClinVar:

ClinVar aggregate classification (germline): Uncertain significance (1 of 4 stars; one submission).

Conditions:
Cardiovascular phenotype. Identifiers: MedGen CN230736.

Submission:

Ambry Genetics
Classification: Uncertain significance for Cardiovascular phenotype. Last evaluated: 2024-11-18. Review status: criteria provided, single submitter. Criteria: Ambry Variant Classification Scheme 2023. Collection method: clinical testing. Allele origin: germline.
Comment: The p.A376T variant (also known as c.1126G>A), located in coding exon 2 of the JPH2 gene, results from a G to A substitution at nucleotide position 1126. The alanine at codon 376 is replaced by threonine, an amino acid with similar properties. This amino acid position is conserved. In addition, the in silico prediction for this alteration is inconclusive. Based on the available evidence, the clinical significance of this variant remains unclear.

NM_020433.5(JPH2):c.1126G>A (p.Ala376Thr)

Gene: JPH2 (junctophilin 2; minus strand). Cytogenetic location: 20q13.12.
Variant type: single nucleotide variant.
Coding change: c.1126G>A on transcript NM_020433.5 (MANE Select); coding-DNA position 1126, G replaced by A.
Protein change: p.Ala376Thr; replaces alanine 376 with threonine.
Molecular consequence: missense variant.
Genome position (GRCh38, 1-based): chr20:44,159,661, C>T on the plus strand (G>A on the coding strand, the complement: JPH2 is on the minus strand). VCF-style: chr20-44159661-C-T. GRCh37 (hg19) VCF-style: chr20-42788301-C-T.
Other names: short protein forms A376T.
Identifiers: ClinVar variation 3531513 (VCV003531513.1).
Genomic context (GRCh38, chr20:44,159,661, plus strand): 5'-CCCCACCGCTGTCCTACCTGGAGGCGGCAATCTCGGCCTTCTGGCGCGCGATAGCAGCGG[C>T]GCGCTGGGCACCCTCCACACTGTGCTCCACTTTCTGGCGGACCTTGTTGCTCTTGAGCTG-3'
Protein context (NP_065166.2, residues 366-386): VEHSVEGAQR[Ala376Thr]AAIARQKAEI